The following is an entry in ClinVar:

NC_000009.12:g.35658025del

Gene: RMRP (RNA component of mitochondrial RNA processing endoribonuclease; minus strand). Cytogenetic location: 9p13.3.
Variant type: Deletion.
Genome position: GRCh38 VCF-style: chr9-35658024-CT-C. GRCh37 (hg19) VCF-style: chr9-35658021-CT-C.
Identifiers: ClinVar variation 553151 (VCV000553151.4), dbSNP rs911564838, ClinGen allele CA192745757.

ClinVar aggregate classification (germline): Uncertain significance. Review status: criteria provided, single submitter (1 of 4 stars). 2 submissions from 2 submitters: Uncertain significance (1). 1 of the submissions does not count toward it. Last evaluated 2023-10-29.

Conditions:
Metaphyseal chondrodysplasia, McKusick type (CHH). Also called: Cartilage-Hair Hypoplasia (CHH); Cartilage-hair hypoplasia. Identifiers: Orphanet 175, MedGen C0220748, MONDO:0009595, OMIM 250250.
Anauxetic dysplasia. Identifiers: Orphanet 93347, MedGen C1846796, MONDO:0011773.

Allele frequency attached by ClinVar (database versions not stated): gnomAD exomes below 0.00001 and 0.00001; gnomAD 0.00001; TOPMed 0.00001.

Submissions (2):

Labcorp Genetics (formerly Invitae), Labcorp
Classification: Uncertain significance for Anauxetic dysplasia. Last evaluated: 2023-10-29. Review status: criteria provided, single submitter. Criteria: Invitae Variant Classification Sherloc (09022015). Collection method: clinical testing. Allele origin: germline.
Comment: This variant occurs in the RMRP gene, which encodes an RNA molecule that does not result in a protein product. This variant is present in population databases (no rsID available, gnomAD 0.005%). This variant has not been reported in the literature in individuals affected with RMRP-related conditions. Experimental studies and prediction algorithms are not available or were not evaluated, and the functional significance of this variant is currently unknown. In summary, the available evidence is currently insufficient to determine the role of this variant in disease. Therefore, it has been classified as a Variant of Uncertain Significance.

Counsyl
Classification: Uncertain significance for Metaphyseal chondrodysplasia, McKusick type. Last evaluated: 2017-08-03. Review status: no assertion criteria provided. Collection method: clinical testing. Allele origin: unknown. Not counted in ClinVar's aggregate classification.